The following is an entry in ClinVar:

NC_012920.1(MT-TS2):m.12231C>T

Gene: MT-TS2 (mitochondrially encoded tRNA serine 2 (AGU/C); plus strand).
Variant type: single nucleotide variant.
Genome position: chrM-12231-C-T.
Identifiers: ClinVar variation 690165 (VCV000690165.1), dbSNP rs1603223627, ClinGen allele CA913169792.

ClinVar aggregate classification (germline): Likely benign (1 of 4 stars; one submission).

Conditions:
MELAS syndrome (MELAS). Also called: Juvenile myopathy, encephalopathy, lactic acidosis, stroke. Identifiers: Orphanet 550, MedGen C0162671, MONDO:0010789, OMIM 540000.

Submission:

Wong Mito Lab, Molecular and Human Genetics, Baylor College of Medicine
Classification: Likely benign for MELAS syndrome. Last evaluated: 2019-07-12. Review status: criteria provided, single submitter. Criteria: Modified ACMG Guidelines (Unpublished). Collection method: clinical testing. Allele origin: germline.
Comment: The NC_012920.1:m.12231C>T variant in MT-TS2 gene is interpreted to be a Likely Benign variant based on the modified ACMG guidelines (unpublished). This variant meets the following evidence codes reported in the guidelines: BP4, BP6

Literature cited by the submitters: PubMed 31965079.